The following is an entry in ClinVar:

NM_000257.4(MYH7):c.5229G>A (p.Glu1743=)

Genes: MYH7 (myosin heavy chain 7; minus strand), LOC126861897 (BRD4-independent group 4 enhancer GRCh37_chr14:23884455-23885654; plus strand). Cytogenetic location: 14q11.2.
Variant type: single nucleotide variant.
Coding change: c.5229G>A on transcript NM_000257.4 (MANE Select); coding-DNA position 5229, G replaced by A.
Protein change: p.Glu1743=; no amino-acid change (glutamic acid 1743 retained).
Molecular consequence: synonymous variant.
Genome position (GRCh38, 1-based): chr14:23,415,435, C>T on the plus strand (G>A on the coding strand, the complement: MYH7 is on the minus strand). VCF-style: chr14-23415435-C-T. GRCh37 (hg19) VCF-style: chr14-23884644-C-T.
Other names: c.5229G>A, p.Glu1743= (NM_001407004.1).
Identifiers: ClinVar variation 3070745 (VCV003070745.1), dbSNP rs149509691, ClinGen allele CA485766307.

ClinVar aggregate classification (germline): Likely benign (1 of 4 stars; one submission).

Conditions:
Cardiomyopathy (CMYO). Also called: Cardiomyopathies. Identifiers: Orphanet 167848, MedGen C0878544, MONDO:0004994, HP:0001638. Inheritance: Various modes of inheritance.

Submission:

All of Us Research Program, National Institutes of Health
Classification: Likely benign for Cardiomyopathy. Last evaluated: 2023-05-04. Review status: criteria provided, single submitter. Criteria: ACMG Guidelines, 2015. Collection method: clinical testing. Allele origin: germline. Inheritance: Autosomal dominant inheritance. Observed: 1 variant allele, 1 heterozygote.
Comment: This study involves interpretation of variants in research participants for the purpose of population health screening. Participant phenotype was not available at the time of variant classification. Additional details can be found in publication PMID: 35346344, PMCID: PMC8962531